The following is an entry in ClinVar:

NM_015346.4(ZFYVE26):c.1670C>G (p.Ala557Gly)

Gene: ZFYVE26 (zinc finger FYVE-type containing 26; minus strand). Cytogenetic location: 14q24.1.
Variant type: single nucleotide variant.
Coding change: c.1670C>G on transcript NM_015346.4 (MANE Select); coding-DNA position 1670, C replaced by G.
Protein change: p.Ala557Gly; replaces alanine 557 with glycine.
Molecular consequence: missense variant.
Genome position (GRCh38, 1-based): chr14:67,798,592, G>C on the plus strand (C>G on the coding strand, the complement: ZFYVE26 is on the minus strand). VCF-style: chr14-67798592-G-C. GRCh37 (hg19) VCF-style: chr14-68265309-G-C.
Other names: short protein forms A557G.
Identifiers: ClinVar variation 4975392 (VCV004975392.1).
Genomic context (GRCh38, chr14:67,798,592, plus strand): 5'-TTTTCCAGAAGCTCCAGGCACAGAGAGTCAGGAATACTGCACAGATACTGTTGACACCTG[G>C]CCAGGTAAGTTGAGAAGAGATTTGCAGCACCTACAAAAACATGTACAAGAGAAGAGGCCA-3'
Protein context (NP_056161.2, residues 547-567): GAANLFSTYL[Ala557Gly]RCQQYLCSIP

ClinVar aggregate classification (germline): Uncertain significance (1 of 4 stars; one submission).

Submission:

GeneDx
Classification: Uncertain significance. Last evaluated: 2026-01-29. Review status: criteria provided, single submitter. Criteria: GeneDx Variant Classification Process June 2021. Collection method: clinical testing. Allele origin: germline.
Comment: Not observed at significant frequency in large population cohorts (gnomAD); In silico analysis suggests that this missense variant does not alter protein structure/function; Has not been previously published as pathogenic or benign to our knowledge